The following is an entry in ClinVar:

NM_007254.4(PNKP):c.184G>A (p.Val62Met)

Gene: PNKP (polynucleotide kinase 3'-phosphatase; minus strand). Cytogenetic location: 19q13.33.
Variant type: single nucleotide variant.
Coding change: c.184G>A on transcript NM_007254.4 (MANE Select); coding-DNA position 184, G replaced by A.
Protein change: p.Val62Met; replaces valine 62 with methionine.
Molecular consequence: missense variant.
Genome position (GRCh38, 1-based): chr19:49,866,413, C>T on the plus strand (G>A on the coding strand, the complement: PNKP is on the minus strand). VCF-style: chr19-49866413-C-T. GRCh37 (hg19) VCF-style: chr19-50369670-C-T.
Other names: short protein forms V62M.
Identifiers: ClinVar variation 1024153 (VCV001024153.9), dbSNP rs1467903741, ClinGen allele CA406893090.

ClinVar aggregate classification (germline): Uncertain significance (1 of 4 stars; one submission).

Conditions:
Developmental and epileptic encephalopathy, 12 (DEE12). Identifiers: MedGen C3150988, MONDO:0013389, OMIM 613722.

Allele frequency attached by ClinVar (database versions not stated): gnomAD exomes below 0.00001 and 0.00001.
gnomAD v4.1: 2 of 1,614,136 alleles (0.00012%); highest among the groups gnomAD compares: East Asian, 0.0022%; no homozygotes.

Submission:

Labcorp Genetics (formerly Invitae), Labcorp
Classification: Uncertain significance for Developmental and epileptic encephalopathy, 12. Last evaluated: 2020-10-09. Review status: criteria provided, single submitter. Criteria: Invitae Variant Classification Sherloc (09022015). Collection method: clinical testing. Allele origin: germline.
Comment: This sequence change replaces valine with methionine at codon 62 of the PNKP protein (p.Val62Met). The valine residue is highly conserved and there is a small physicochemical difference between valine and methionine. In summary, the available evidence is currently insufficient to determine the role of this variant in disease. Therefore, it has been classified as a Variant of Uncertain Significance. This variant is not present in population databases (ExAC no frequency). This variant has not been reported in the literature in individuals with PNKP-related conditions. Algorithms developed to predict the effect of missense changes on protein structure and function are either unavailable or do not agree on the potential impact of this missense change (SIFT: "Deleterious"; PolyPhen-2: "Probably Damaging"; Align-GVGD: "Class C0").